The following is an entry in ClinVar:

NM_016120.4(RLIM):c.493G>A (p.Gly165Arg)

Gene: RLIM (ring finger protein, LIM domain interacting; minus strand). Cytogenetic location: Xq13.2.
Variant type: single nucleotide variant.
Coding change: c.493G>A on transcript NM_016120.4 (MANE Select); coding-DNA position 493, G replaced by A.
Protein change: p.Gly165Arg; replaces glycine 165 with arginine.
Molecular consequence: missense variant.
Genome position (GRCh38, 1-based): chrX:74,592,822, C>T on the plus strand (G>A on the coding strand, the complement: RLIM is on the minus strand). VCF-style: chrX-74592822-C-T. GRCh37 (hg19) VCF-style: chrX-73812657-C-T.
Other names: c.493G>A, p.Gly165Arg (NM_183353.3); short protein forms G165R.
Identifiers: ClinVar variation 2444522 (VCV002444522.1), dbSNP rs1423160955, ClinGen allele CA413662242.

ClinVar aggregate classification (germline): Uncertain significance (1 of 4 stars; one submission).

Submission:

GeneDx
Classification: Uncertain significance. Last evaluated: 2022-09-20. Review status: criteria provided, single submitter. Criteria: GeneDx Variant Classification Process June 2021. Collection method: clinical testing. Allele origin: germline. Affected: yes.
Comment: Not observed at significant frequency in large population cohorts (gnomAD); In silico analysis supports that this missense variant does not alter protein structure/function; Has not been previously published as pathogenic or benign to our knowledge